The following is an entry in ClinVar:

ClinVar aggregate classification (germline): Uncertain significance (1 of 4 stars; one submission).

Submission:

GeneDx
Classification: Uncertain significance. Last evaluated: 2022-02-08. Review status: criteria provided, single submitter. Criteria: GeneDx Variant Classification Process June 2021. Collection method: clinical testing. Allele origin: germline. Affected: yes.
Comment: Not observed at significant frequency in large population cohorts (gnomAD); In silico analysis supports that this missense variant has a deleterious effect on protein structure/function; Has not been previously published as pathogenic or benign to our knowledge

NM_000168.6(GLI3):c.1030C>G (p.Pro344Ala)

Gene: GLI3 (GLI family zinc finger 3; minus strand). Cytogenetic location: 7p14.1.
Variant type: single nucleotide variant.
Coding change: c.1030C>G on transcript NM_000168.6 (MANE Select); coding-DNA position 1030, C replaced by G.
Protein change: p.Pro344Ala; replaces proline 344 with alanine.
Molecular consequence: missense variant.
Genome position (GRCh38, 1-based): chr7:42,026,411, G>C on the plus strand (C>G on the coding strand, the complement: GLI3 is on the minus strand). VCF-style: chr7-42026411-G-C. GRCh37 (hg19) VCF-style: chr7-42066010-G-C.
Other names: short protein forms P344A.
Identifiers: ClinVar variation 1700499 (VCV001700499.2), dbSNP rs779563132, ClinGen allele CA367327334.
Genomic context (GRCh38, chr7:42,026,411, plus strand): 5'-GGATCTGCTGATGCATGTGGAGAGAGACGGGCGCGGAAGAGTAGGTGAAGCTCAAGGCAG[G>C]GCTGCACGGGGGAGATAAAAAAAGACGATCATCACTTAAACGCTGAGCTCAGACAAGTAC-3'
Protein context (NP_000159.3, residues 334-354): YGHLSASAIS[Pro344Ala]ALSFTYSSAP